The following is an entry in ClinVar:

NM_177438.3(DICER1):c.3073G>T (p.Glu1025Ter)

Gene: DICER1 (dicer 1, ribonuclease III; minus strand). Cytogenetic location: 14q32.13.
Variant type: single nucleotide variant.
Coding change: c.3073G>T on transcript NM_177438.3 (MANE Select); coding-DNA position 3073, G replaced by T.
Protein change: p.Glu1025Ter; replaces glutamic acid 1025 with a stop codon.
Molecular consequence: nonsense.
Genome position (GRCh38, 1-based): chr14:95,105,698, C>A on the plus strand (G>T on the coding strand, the complement: DICER1 is on the minus strand). VCF-style: chr14-95105698-C-A. GRCh37 (hg19) VCF-style: chr14-95572035-C-A.
Other names: c.3073G>T, p.Glu1025Ter (NM_001195573.1, NM_001271282.3, NM_001291628.2 and 1 more transcripts); short protein forms E1025*.
Identifiers: ClinVar variation 429157 (VCV000429157.9), dbSNP rs1131691225, ClinGen allele CA390878017.

ClinVar aggregate classification (germline): Pathogenic. Review status: criteria provided, multiple submitters, no conflicts (2 of 4 stars). 3 submissions from 3 submitters: Pathogenic (3). Last evaluated 2019-10-31.

Conditions:
Hereditary cancer-predisposing syndrome. Also called: Hereditary neoplastic syndrome; Tumor predisposition; Neoplastic Syndromes, Hereditary; Hereditary Cancer Syndrome. Identifiers: Orphanet 140162, MedGen C0027672, MeSH D009386, MONDO:0015356.
DICER1-related tumor predisposition. Also called: DICER1-related pleuropulmonary blastoma cancer predisposition syndrome; DICER1 syndrome. Identifiers: Orphanet 284343, MedGen C3839822, MONDO:0100216.

Submissions (3):

GeneDx
Classification: Pathogenic. Last evaluated: 2019-10-31. Review status: criteria provided, single submitter. Criteria: GeneDx Variant Classification Process June 2021. Collection method: clinical testing. Allele origin: germline. Affected: yes.
Comment: Nonsense variant predicted to result in protein truncation or nonsense mediated decay in a gene for which loss-of-function is a known mechanism of disease; Not observed in large population cohorts (Lek 2016); This variant is associated with the following publications: (PMID: 21501861, 28012864)

Foulkes Cancer Genetics LDI, Lady Davis Institute for Medical Research
Classification: Pathogenic for Pleuropulmonary blastoma. Last evaluated: 2019-07-01. Review status: criteria provided, single submitter. Criteria: ACMG Guidelines, 2015. Collection method: curation. Allele origin: germline. Affected: yes. Observed: 2 variant alleles.
Comment: ACMG criteria met: PVS1, PM2, PP4

Ambry Genetics
Classification: Pathogenic for Hereditary cancer-predisposing syndrome. Last evaluated: 2013-12-31. Review status: criteria provided, single submitter. Criteria: Ambry Autosomal Dominant and X-Linked criteria (10/2015). Collection method: clinical testing. Allele origin: germline. Observed: 1 variant allele.
Comment: The p.E1025Xpathogenic mutation (also known as c.3073G>T), located in coding exon 18 of the DICER1 gene, results from a G to T substitution at nucleotide position 3073. This changes the amino acid from a glutamic acid to a stop codon within coding exon 18. In addition to the clinical data presented in the literature, since premature stop codons are typically deleterious in nature, this alteration is interpreted as a disease-causing mutation (ACMG Recommendations for Standards for Interpretation and Reporting of Sequence Variations. Revision 2007. Genet Med. 2008;10:294).

Literature cited by the submitters: PubMed 21501861 (cited by Foulkes Cancer Genetics LDI, Lady Davis Institute for Medical Research and Ambry Genetics).